The following is an entry in ClinVar:

ClinVar aggregate classification (germline): Uncertain significance (1 of 4 stars; one submission).

Allele frequency attached by ClinVar (database versions not stated): gnomAD 0.00007 and 0.00010; TOPMed 0.00007; ESP Exome Variant Server 0.00008.
gnomAD v4.1: 180 of 1,613,836 alleles (0.011%); highest among the groups gnomAD compares: East Asian, 0.071%; no homozygotes.

Submission:

Labcorp Genetics (formerly Invitae), Labcorp
Classification: Uncertain significance. Last evaluated: 2021-12-12. Review status: criteria provided, single submitter. Criteria: Invitae Variant Classification Sherloc (09022015). Collection method: clinical testing. Allele origin: germline.
Comment: In summary, the available evidence is currently insufficient to determine the role of this variant in disease. Therefore, it has been classified as a Variant of Uncertain Significance. Algorithms developed to predict the effect of sequence changes on RNA splicing suggest that this variant may create or strengthen a splice site. Algorithms developed to predict the effect of missense changes on protein structure and function (SIFT, PolyPhen-2, Align-GVGD) all suggest that this variant is likely to be disruptive. This variant has not been reported in the literature in individuals affected with H6PD-related conditions. This variant is present in population databases (rs34274595, gnomAD 0.07%). This sequence change replaces glycine, which is neutral and non-polar, with serine, which is neutral and polar, at codon 440 of the H6PD protein (p.Gly440Ser).

NM_004285.4(H6PD):c.1318G>A (p.Gly440Ser)

Gene: H6PD (hexose-6-phosphate dehydrogenase/glucose 1-dehydrogenase; plus strand). Cytogenetic location: 1p36.22.
Variant type: single nucleotide variant.
Coding change: c.1318G>A on transcript NM_004285.4 (MANE Select); coding-DNA position 1318, G replaced by A.
Protein change: p.Gly440Ser; replaces glycine 440 with serine.
Molecular consequence: missense variant.
Genome position (GRCh38, 1-based): chr1:9,263,811, G>A. VCF-style: chr1-9263811-G-A. GRCh37 (hg19) VCF-style: chr1-9323870-G-A.
Other names: c.1351G>A, p.Gly451Ser (NM_001282587.2); short protein forms G451S, G440S.
Identifiers: ClinVar variation 1406096 (VCV001406096.6), dbSNP rs34274595, ClinGen allele CA575272.
Genomic context (GRCh38, chr1:9,263,811, plus strand): 5'-AGGCCCTCCCTGCCCTCCAGCTGGAAGGAAATGGAGGGACCACCTGGGCTCCGCCTTTTC[G>A]GCAGCCCTCTGTCCGATTACTACGCCTACAGCCCTGTGCGGGAGCGGGACGCCCACTCCG-3'
Protein context (NP_004276.2, residues 430-450): MEGPPGLRLF[Gly440Ser]SPLSDYYAYS